The following is an entry in ClinVar:

NM_173630.4(RTTN):c.1540A>G (p.Ile514Val)

Gene: RTTN (rotatin; minus strand). Cytogenetic location: 18q22.2.
Variant type: single nucleotide variant.
Coding change: c.1540A>G on transcript NM_173630.4 (MANE Select); coding-DNA position 1540, A replaced by G.
Protein change: p.Ile514Val; replaces isoleucine 514 with valine.
Molecular consequence: missense variant. On other transcripts: intron variant (1).
Genome position (GRCh38, 1-based): chr18:70,169,004, T>C on the plus strand (A>G on the coding strand, the complement: RTTN is on the minus strand). VCF-style: chr18-70169004-T-C. GRCh37 (hg19) VCF-style: chr18-67836240-T-C.
Other names: c.-1077-31A>G (NM_001318520.2); short protein forms I514V.
Identifiers: ClinVar variation 424429 (VCV000424429.4), dbSNP rs761502781, ClinGen allele CA8996144.

ClinVar aggregate classification (germline): Conflicting classifications of pathogenicity. Review status: criteria provided, conflicting classifications (1 of 4 stars). 2 submissions from 2 submitters: Uncertain significance (1); Likely benign (1). Last evaluated 2021-08-16.

Conditions:
Inborn genetic diseases. Identifiers: MedGen C0950123, MeSH D030342.

Allele frequency attached by ClinVar (database versions not stated): TOPMed 0.00001; ExAC 0.00002; gnomAD exomes 0.00002 and 0.00003.
gnomAD v4.1: 39 of 1,612,972 alleles (0.0024%); highest among the groups gnomAD compares: Non-Finnish European, 0.0029%; no homozygotes.

Submissions (2):

Ambry Genetics
Classification: Likely benign for Inborn genetic diseases. Last evaluated: 2021-08-16. Review status: criteria provided, single submitter. Criteria: Ambry Variant Classification Scheme 2023. Collection method: clinical testing. Allele origin: germline.

GeneDx
Classification: Uncertain significance. Last evaluated: 2017-03-17. Review status: criteria provided, single submitter. Criteria: GeneDx Variant Classification (06012015). Collection method: clinical testing. Allele origin: germline. Affected: yes.
Comment: A variant of uncertain significance has been identified in the RTTN gene. The I514V variant has not been published as a pathogenic variant, nor has it been reported as a benign variant to our knowledge. The I514V variant is not observed at a significant frequency in large population cohorts (Lek et al., 2016; 1000 Genomes Consortium et al., 2015; Exome Variant Server). The I514V variant is a conservative amino acid substitution, which is not likely to impact secondary protein structure as these residues share similar properties. This substitution occurs at a position where amino acids with similar properties to Isoleucine are tolerated across species. In silico analysis predicts this variant likely does not alter the protein structure/function. Based on the currently available information, it is unclear whether this variant is a pathogenic variant or a rare benign variant.